The following is an entry in ClinVar:

ClinVar aggregate classification (germline): Benign. Review status: criteria provided, multiple submitters, no conflicts (2 of 4 stars). 2 submissions from 2 submitters: Benign (2). Last evaluated 2017-05-09.

Allele frequency attached by ClinVar (database versions not stated): gnomAD exomes 0.65752 and 0.68818; ExAC 0.69614; ESP Exome Variant Server 0.73480; TOPMed 0.75234; 1000 Genomes Project 0.77017; 1000 Genomes Project 30x 0.77530; gnomAD 0.73982 and 0.74122.
gnomAD v4.1: 1,066,795 of 1,601,632 alleles (67%); highest among the groups gnomAD compares: African/African-American, 92%; 359,486 homozygotes.

Submissions (2):

GeneDx
Classification: Benign. Last evaluated: 2017-05-09. Review status: criteria provided, single submitter. Criteria: GeneDx Variant Classification (06012015). Collection method: clinical testing. Allele origin: germline. Affected: yes.
Comment: This variant is considered likely benign or benign based on one or more of the following criteria: it is a conservative change, it occurs at a poorly conserved position in the protein, it is predicted to be benign by multiple in silico algorithms, and/or has population frequency not consistent with disease.

Breakthrough Genomics
Classification: Benign. Review status: criteria provided, single submitter. Criteria: ACMG Guidelines, 2015. Collection method: not provided. Allele origin: germline. Inheritance: Unknown mechanism. Affected: yes.

NM_030770.4(TMPRSS5):c.1102T>C (p.Leu368=)

Genes: TMPRSS5 (transmembrane serine protease 5; minus strand), LOC126861343 (MED14-independent group 3 enhancer GRCh37_chr11:113560791-113561990; plus strand). Cytogenetic location: 11q23.2.
Variant type: single nucleotide variant.
Coding change: c.1102T>C on transcript NM_030770.4 (MANE Select); coding-DNA position 1102, T replaced by C.
Protein change: p.Leu368=; no amino-acid change (leucine 368 retained).
Molecular consequence: synonymous variant. On other transcripts: non-coding transcript variant (2).
Genome position (GRCh38, 1-based): chr11:113,690,335, A>G on the plus strand (T>C on the coding strand, the complement: TMPRSS5 is on the minus strand). VCF-style: chr11-113690335-A-G. GRCh37 (hg19) VCF-style: chr11-113561057-A-G.
Other names: c.763T>C, p.Leu255= (NM_001288749.2); c.970T>C, p.Leu324= (NM_001288750.2); c.1075T>C, p.Leu359= (NM_001288751.2); c.895T>C, p.Leu299= (NM_001288752.2).
Identifiers: ClinVar variation 508108 (VCV000508108.2), dbSNP rs7110738, ClinGen allele CA6281622.